The following is an entry in ClinVar:

NM_021922.3(FANCE):c.598C>T (p.Arg200Cys)

Gene: FANCE (FA complementation group E; plus strand). Cytogenetic location: 6p21.31.
Variant type: single nucleotide variant.
Coding change: c.598C>T on transcript NM_021922.3 (MANE Select); coding-DNA position 598, C replaced by T.
Protein change: p.Arg200Cys; replaces arginine 200 with cysteine.
Molecular consequence: missense variant.
Genome position (GRCh38, 1-based): chr6:35,456,096, C>T. VCF-style: chr6-35456096-C-T. GRCh37 (hg19) VCF-style: chr6-35423873-C-T.
Other names: short protein forms R200C.
Identifiers: ClinVar variation 221623 (VCV000221623.9), dbSNP rs763151358, ClinGen allele CA3771446.

ClinVar aggregate classification (germline): Conflicting classifications of pathogenicity. Review status: criteria provided, conflicting classifications (1 of 4 stars). 5 submissions from 5 submitters: Likely pathogenic (1); Uncertain significance (4). Last evaluated 2024-07-16.

Conditions:
Fanconi anemia complementation group E (FANCE). Also called: FANCE-Related Fanconi Anemia. Identifiers: Orphanet 84, MedGen C3160739, MONDO:0010953, OMIM 600901.
Carcinoma of colon (CRC). Also called: Colon carcinoma; Colonic carcinoma. Identifiers: MedGen C0699790, MONDO:0002032.

Allele frequency attached by ClinVar (database versions not stated): gnomAD exomes 0.00005 and 0.00006; ExAC 0.00006; TOPMed 0.00006; gnomAD 0.00007.

Submissions (5):

Blueprint Genetics
Classification: Uncertain significance. Last evaluated: 2024-07-16. Review status: criteria provided, single submitter. Criteria: ACMG Guidelines, 2015. Collection method: clinical testing. Allele origin: germline.

Fulgent Genetics
Classification: Uncertain significance for Fanconi anemia complementation group E. Last evaluated: 2024-02-28. Review status: criteria provided, single submitter. Criteria: ACMG Guidelines, 2015. Collection method: clinical testing. Allele origin: germline.

Women's Health and Genetics/Laboratory Corporation of America, LabCorp
Classification: Uncertain significance. Last evaluated: 2023-12-13. Review status: criteria provided, single submitter. Criteria: LabCorp Variant Classification Summary - May 2015. Collection method: clinical testing. Allele origin: germline.
Comment: Variant summary: FANCE c.598C>T (p.Arg200Cys) results in a non-conservative amino acid change in the encoded protein sequence. Three of four in-silico tools predict a damaging effect of the variant on protein function. The variant allele was found at a frequency of 6e-05 in 250994 control chromosomes. This frequency is not significantly higher than estimated for a pathogenic variant in FANCE causing Fanconi Anemia (6e-05 vs 0.00048), allowing no conclusion about variant significance. c.598C>T has been reported in the literature in individuals affected with Colon cancer, Breast cancer and other unspecified childhood cancer, without strong evidence for causality (example, Esteban-Jurado_2016, Sylvester_2021). These report(s) do not provide unequivocal conclusions about association of the variant with Fanconi Anemia. To our knowledge, no experimental evidence demonstrating an impact on protein function has been reported. The following publications have been ascertained in the context of this evaluation (PMID: 27165003, 34687117). Two submitters have cited clinical-significance assessments for this variant to ClinVar after 2014. One submitter classified the variant as likely pathogenic, and one submitter classified the variant as uncertain significance. Based on the evidence outlined above, the variant was classified as uncertain significance.

Labcorp Genetics (formerly Invitae), Labcorp
Classification: Uncertain significance for Fanconi anemia complementation group E. Last evaluated: 2022-07-12. Review status: criteria provided, single submitter. Criteria: Invitae Variant Classification Sherloc (09022015). Collection method: clinical testing. Allele origin: germline.
Comment: This sequence change replaces arginine, which is basic and polar, with cysteine, which is neutral and slightly polar, at codon 200 of the FANCE protein (p.Arg200Cys). This variant is present in population databases (rs763151358, gnomAD 0.04%). This missense change has been observed in individual(s) with colorectal cancer and breast cancer (PMID: 27165003). ClinVar contains an entry for this variant (Variation ID: 221623). Algorithms developed to predict the effect of missense changes on protein structure and function are either unavailable or do not agree on the potential impact of this missense change (SIFT: "Deleterious"; PolyPhen-2: "Probably Damaging"; Align-GVGD: "Class C0"). In summary, the available evidence is currently insufficient to determine the role of this variant in disease. Therefore, it has been classified as a Variant of Uncertain Significance.

Genetic Predisposition to Colorectal Cancer Group, Institut d’Investigacions Biomediques August Pi i Sunyer
Classification: Likely pathogenic for Colorectal cancer. Last evaluated: 2015-11-01. Review status: criteria provided, single submitter. Criteria: Submitter's publication. Collection method: clinical testing. Allele origin: germline. Affected: yes. Observed: 2 variant alleles. Study: FAMCOLON.
Comment: Variant detected by whole exome sequencing in a family presenting aggregation mainly for colorectal cancer but also for breast cancer

Segregation in the family affected members; frequency in the control datasets <0.01% (ExAC, EVS, CIBERER Spanish Variant Server); in silico pathogenicity predictions (CADD, PolyPhen, SIFT, PhyloP, LRT); variant falls in the domain that interacts with FANCC

Literature cited by the submitters: PubMed 27165003 (cited by 3 submitters); PubMed 34687117 (cited by Women's Health and Genetics/Laboratory Corporation of America, LabCorp).